The following is an entry in ClinVar:

NM_000038.6(APC):c.166G>C (p.Glu56Gln)

Gene: APC (APC regulator of Wnt signaling pathway; plus strand). Cytogenetic location: 5q22.2.
Variant type: single nucleotide variant.
Coding change: c.166G>C on transcript NM_000038.6 (MANE Select); coding-DNA position 166, G replaced by C.
Protein change: p.Glu56Gln; replaces glutamic acid 56 with glutamine.
Molecular consequence: missense variant. On other transcripts: 5 prime UTR variant (4).
Genome position (GRCh38, 1-based): chr5:112,766,356, G>C. VCF-style: chr5-112766356-G-C. GRCh37 (hg19) VCF-style: chr5-112102053-G-C.
Other names: c.166G>C, p.Glu56Gln (NM_001127510.3, NM_001354895.2, NM_001354896.2 and 2 more transcripts); c.196G>C, p.Glu66Gln (NM_001127511.3, NM_001354897.2, NM_001354902.2); c.91G>C, p.Glu31Gln (NM_001354898.2, NM_001354904.2); c.-12G>C (NM_001354900.2, NM_001354901.2, NM_001354905.2); c.-870G>C (NM_001354906.2); short protein forms E56Q, E66Q, E31Q.
Identifiers: ClinVar variation 187228 (VCV000187228.10), dbSNP rs786203566, ClinGen allele CA005430.

ClinVar aggregate classification (germline): Uncertain significance. Review status: criteria provided, multiple submitters, no conflicts (2 of 4 stars). 2 submissions from 2 submitters: Uncertain significance (2). Last evaluated 2022-08-31.

Conditions:
Hereditary cancer-predisposing syndrome. Also called: Neoplastic Syndromes, Hereditary; Tumor predisposition; Hereditary Cancer Syndrome; Hereditary neoplastic syndrome. Identifiers: Orphanet 140162, MedGen C0027672, MeSH D009386, MONDO:0015356.
Familial adenomatous polyposis 1 (FAP1). Also called: FAMILIAL ADENOMATOUS POLYPOSIS 1, ATTENUATED; POLYPOSIS, ADENOMATOUS INTESTINAL. Identifiers: MedGen C2713442, MONDO:0021056, OMIM 175100. Disease mechanism: loss of function.

Submissions (2):

Labcorp Genetics (formerly Invitae), Labcorp
Classification: Uncertain significance for Familial adenomatous polyposis 1. Last evaluated: 2022-08-31. Review status: criteria provided, single submitter. Criteria: Invitae Variant Classification Sherloc (09022015). Collection method: clinical testing. Allele origin: germline.
Comment: In summary, the available evidence is currently insufficient to determine the role of this variant in disease. Therefore, it has been classified as a Variant of Uncertain Significance. Algorithms developed to predict the effect of missense changes on protein structure and function are either unavailable or do not agree on the potential impact of this missense change (SIFT: "Tolerated"; PolyPhen-2: "Possibly Damaging"; Align-GVGD: "Class C0"). This sequence change replaces glutamic acid, which is acidic and polar, with glutamine, which is neutral and polar, at codon 56 of the APC protein (p.Glu56Gln). This variant is not present in population databases (gnomAD no frequency). This missense change has been observed in individual(s) with APC-related conditions (PMID: 28135145). ClinVar contains an entry for this variant (Variation ID: 187228).

Ambry Genetics
Classification: Uncertain significance for Hereditary cancer-predisposing syndrome. Last evaluated: 2014-11-26. Review status: criteria provided, single submitter. Criteria: Ambry Variant Classification Scheme 2023. Collection method: clinical testing. Allele origin: germline.
Comment: The p.E56Q variant (also known as c.166G>C), located in coding exon 2 of the APC gene, results from a G to C substitution at nucleotide position 166. The glutamic acid at codon 56 is replaced by glutamine, an amino acid with highly similar properties. This variant was not reported in population based cohorts in the following databases: Database of Single Nucleotide Polymorphisms (dbSNP), NHLBI Exome Sequencing Project (ESP), and 1000 Genomes Project. In the ESP, this variant was not observed in 6498 samples (12996 alleles) with coverage at this position. To date, this alteration has been detected with an allele frequency of approximately 0.01% (greater than 13000 alleles tested) in our clinical cohort. This amino acid position is highly conserved in available vertebrate species. In addition, in silico predictors for this gene do not accurately predict pathogenicity. Since supporting evidence is limited at this time, the clinical significance of p.E56Q remains unclear.

Literature cited by the submitters: PubMed 28135145 (cited by Labcorp Genetics (formerly Invitae), Labcorp).